The following is an entry in ClinVar:

NM_000440.3(PDE6A):c.1142T>G (p.Met381Arg)

Gene: PDE6A (phosphodiesterase 6A; minus strand). Cytogenetic location: 5q32.
Variant type: single nucleotide variant.
Coding change: c.1142T>G on transcript NM_000440.3 (MANE Select); coding-DNA position 1142, T replaced by G.
Protein change: p.Met381Arg; replaces methionine 381 with arginine.
Molecular consequence: missense variant.
Genome position (GRCh38, 1-based): chr5:149,899,496, A>C on the plus strand (T>G on the coding strand, the complement: PDE6A is on the minus strand). VCF-style: chr5-149899496-A-C. GRCh37 (hg19) VCF-style: chr5-149279059-A-C.
Other names: c.899T>G, p.Met300Arg (NM_001410788.1); short protein forms M381R, M300R.
Identifiers: ClinVar variation 2064115 (VCV002064115.4), dbSNP rs766883024, ClinGen allele CA361697057.

ClinVar aggregate classification (germline): Uncertain significance (1 of 4 stars; one submission).

Submission:

Labcorp Genetics (formerly Invitae), Labcorp
Classification: Uncertain significance. Last evaluated: 2023-10-03. Review status: criteria provided, single submitter. Criteria: Invitae Variant Classification Sherloc (09022015). Collection method: clinical testing. Allele origin: germline.
Comment: This sequence change replaces methionine, which is neutral and non-polar, with arginine, which is basic and polar, at codon 381 of the PDE6A protein (p.Met381Arg). This variant is not present in population databases (gnomAD no frequency). This variant has not been reported in the literature in individuals affected with PDE6A-related conditions. ClinVar contains an entry for this variant (Variation ID: 2064115). Advanced modeling of protein sequence and biophysical properties (such as structural, functional, and spatial information, amino acid conservation, physicochemical variation, residue mobility, and thermodynamic stability) performed at Invitae indicates that this missense variant is not expected to disrupt PDE6A protein function. In summary, the available evidence is currently insufficient to determine the role of this variant in disease. Therefore, it has been classified as a Variant of Uncertain Significance.